The following is an entry in ClinVar:

NM_017739.4(POMGNT1):c.630G>T (p.Trp210Cys)

Genes: POMGNT1 (protein O-linked mannose N-acetylglucosaminyltransferase 1 (beta 1,2-); minus strand), TSPAN1 (tetraspanin 1; plus strand). Cytogenetic location: 1p34.1.
Variant type: single nucleotide variant.
Coding change: c.630G>T on transcript NM_017739.4 (MANE Select); coding-DNA position 630, G replaced by T.
Protein change: p.Trp210Cys; replaces tryptophan 210 with cysteine.
Molecular consequence: missense variant.
Genome position (GRCh38, 1-based): chr1:46,194,866, C>A on the plus strand (G>T on the coding strand, the complement: POMGNT1 is on the minus strand). VCF-style: chr1-46194866-C-A. GRCh37 (hg19) VCF-style: chr1-46660538-C-A.
Other names: c.630G>T, p.Trp210Cys (NM_001243766.2, NM_001410783.1); c.564G>T, p.Trp188Cys (NM_001290129.3); c.201G>T, p.Trp67Cys (NM_001290130.2); short protein forms W210C, W188C, W67C.
Identifiers: ClinVar variation 56603 (VCV000056603.6), dbSNP rs386834033, ClinGen allele CA263978.

ClinVar aggregate classification (germline): Pathogenic/Likely pathogenic. Review status: no assertion criteria provided (0 of 4 stars). 3 submissions from 3 submitters: Pathogenic (1); Likely pathogenic (2).

Conditions:
Muscle eye brain disease (MEB). Also called: Santavuori congenital muscular dystrophy. Identifiers: Orphanet 588, Orphanet 899, MedGen C0457133, MONDO:0018939.

Submissions (3):

Clinical Genetics DNA and cytogenetics Diagnostics Lab, Erasmus MC, Erasmus Medical Center
Classification: Likely pathogenic. Review status: no assertion criteria provided. Collection method: clinical testing. Allele origin: germline. Affected: yes. Study: VKGL Data-share Consensus.

Diagnostic Laboratory, Department of Genetics, University Medical Center Groningen
Classification: Pathogenic. Review status: no assertion criteria provided. Collection method: clinical testing. Allele origin: germline. Affected: yes. Study: VKGL Data-share Consensus.

Juha Muilu Group; Institute for Molecular Medicine Finland (FIMM)
Classification: Likely pathogenic for Muscle eye brain disease. Review status: no assertion criteria provided. Collection method: not provided. Allele origin: unknown.
Comment: FinDis database variant: This variant was not found or characterized by our laboratory, data were collected from public sources: see reference
ClinVar note: Converted during submission from probable-pathogenic to Likely pathogenic.